The following is an entry in ClinVar:

NM_032861.4(SERAC1):c.227_228dup (p.Val77fs)

Gene: SERAC1 (serine active site containing 1; minus strand). Cytogenetic location: 6q25.3.
Variant type: Microsatellite.
Coding change: c.227_228dup on transcript NM_032861.4 (MANE Select); coding-DNA positions 227 to 228, 2 bases duplicated (AT; older notation c.227_228dupAT).
Protein change: p.Val77fs; shifts the reading frame from valine 77.
Molecular consequence: frameshift variant. On other transcripts: non-coding transcript variant (1).
Genome position (GRCh38, 1-based): chr6:158,150,490-158,150,491, AT duplicated on the plus strand (AT on the coding strand, the reverse complement: SERAC1 is on the minus strand); duplicating any 2 consecutive bases within chr6:158,150,490-158,150,499 gives the same sequence; the c. name uses the placement nearest the transcript's 3' end. VCF-style (leftmost placement, unchanged base first): chr6-158150489-C-CAT. GRCh37 (hg19) VCF-style: chr6-158571521-C-CAT.
Other names: c.227_228dupAT (NM_032861.3); c.227_228dup (NM_032861.3); short protein forms V77fs.
Identifiers: ClinVar variation 280568 (VCV000280568.5), dbSNP rs886041750, ClinGen allele CA10602979.
Genomic context (GRCh38, chr6:158,150,489, plus strand): 5'-AGGATTACTTTACAATAAACTTACCATGATTTTCTCCTTTGTCTAAAGAAACTGTGTGCA[C>CAT]ATATATATATGACTTCATTTTTTCTCGTTCTACCACTTGAGTATCTAATGTCACAGCCTT-3'

ClinVar aggregate classification (germline): Pathogenic. Review status: criteria provided, multiple submitters, no conflicts (2 of 4 stars). 2 submissions from 2 submitters: Pathogenic (2). Last evaluated 2026-09-11.

Conditions:
3-methylglutaconic aciduria with deafness, encephalopathy, and Leigh-like syndrome (MEGDEL). Also called: SERAC1 Deficiency; MEGDEL syndrome; 3-METHYLGLUTACONIC ACIDURIA, TYPE VI. Identifiers: Orphanet 352328, MedGen C4040739, MONDO:0013875, OMIM 614739.

Submissions (2):

GeneDx
Classification: Pathogenic. Last evaluated: 2026-09-11. Review status: criteria provided, single submitter. Criteria: GeneDx Variant Classification Process June 2021. Collection method: clinical testing. Allele origin: germline.
Comment: Frameshift variant predicted to result in protein truncation or nonsense mediated decay in a gene for which loss of function is a known mechanism of disease; Not observed at significant frequency in large population cohorts (gnomAD); This variant is associated with the following publications: (PMID: 34660482, 40714654, 30954647)

Labcorp Genetics (formerly Invitae), Labcorp
Classification: Pathogenic for 3-methylglutaconic aciduria with deafness, encephalopathy, and Leigh-like syndrome. Last evaluated: 2022-12-20. Review status: criteria provided, single submitter. Criteria: Invitae Variant Classification Sherloc (09022015). Collection method: clinical testing. Allele origin: germline.
Comment: This sequence change creates a premature translational stop signal (p.Val77Metfs*7) in the SERAC1 gene. It is expected to result in an absent or disrupted protein product. Loss-of-function variants in SERAC1 are known to be pathogenic (PMID: 22683713). The frequency data for this variant in the population databases is considered unreliable, as metrics indicate poor data quality at this position in the gnomAD database. This variant has not been reported in the literature in individuals affected with SERAC1-related conditions. ClinVar contains an entry for this variant (Variation ID: 280568). For these reasons, this variant has been classified as Pathogenic.

Literature cited by the submitters: PubMed 22683713 (cited by Labcorp Genetics (formerly Invitae), Labcorp).